The following is an entry in ClinVar:

NM_002880.4(RAF1):c.320+9dup

Gene: RAF1 (Raf-1 proto-oncogene, serine/threonine kinase; minus strand). Cytogenetic location: 3p25.2.
Variant type: Duplication.
Coding change: c.320+9dup on transcript NM_002880.4 (MANE Select); 9 bases into the intron after coding-DNA position 320, one base duplicated (T; older notation c.320+9dupT).
Molecular consequence: intron variant.
Genome position (GRCh38, 1-based): chr3:12,611,941, A duplicated on the plus strand (T on the coding strand, the reverse complement: RAF1 is on the minus strand). VCF-style (leftmost placement, unchanged base first): chr3-12611940-G-GA. GRCh37 (hg19) VCF-style: chr3-12653439-G-GA.
Other names: c.78-2606dup (NM_001354695.3, NM_001354692.3, NM_001354694.3 and 1 more transcripts); c.320+9dup (NM_001354693.3, NM_001354689.3, NM_001354690.3); c.320+9dupT (NM_002880.4).
Identifiers: ClinVar variation 3768820 (VCV003768820.1).

ClinVar aggregate classification (germline): Likely benign (1 of 4 stars; one submission).

Submission:

Women's Health and Genetics/Laboratory Corporation of America, LabCorp
Classification: Likely benign. Last evaluated: 2025-02-03. Review status: criteria provided, single submitter. Criteria: LabCorp Variant Classification Summary - May 2015. Collection method: clinical testing. Allele origin: germline.
Comment: Variant summary: RAF1 c.320+9dupT alters a nucleotide located at a position not widely known to affect splicing. Consensus agreement among computation tools predict no significant impact on normal splicing. However, these predictions have yet to be confirmed by functional studies. The variant was absent in 251450 control chromosomes. The available data on variant occurrences in the general population are insufficient to allow any conclusion about variant significance. To our knowledge, no occurrence of c.320+9dupT in individuals affected with RAF1-related conditions and no experimental evidence demonstrating its impact on protein function have been reported. No submitters have cited clinical-significance assessments for this variant to ClinVar. Based on the evidence outlined above, the variant was classified as likely benign.